The following is an entry in ClinVar:

ClinVar aggregate classification (germline): Uncertain significance (1 of 4 stars; one submission).

Allele frequency attached by ClinVar (database versions not stated): gnomAD exomes below 0.00001; TOPMed below 0.00001; ExAC 0.00001.
gnomAD v4.1: 4 of 1,613,422 alleles (0.00025%); highest among the groups gnomAD compares: South Asian, 0.0011%; no homozygotes.

Submission:

Labcorp Genetics (formerly Invitae), Labcorp
Classification: Uncertain significance. Last evaluated: 2024-02-23. Review status: criteria provided, single submitter. Criteria: Invitae Variant Classification Sherloc (09022015). Collection method: clinical testing. Allele origin: germline.
Comment: This sequence change replaces leucine, which is neutral and non-polar, with glutamine, which is neutral and polar, at codon 743 of the CACNA2D4 protein (p.Leu743Gln). This variant is present in population databases (rs199498850, gnomAD 0.0009%). This variant has not been reported in the literature in individuals affected with CACNA2D4-related conditions. ClinVar contains an entry for this variant (Variation ID: 1004335). An algorithm developed to predict the effect of missense changes on protein structure and function (PolyPhen-2) suggests that this variant is likely to be tolerated. In summary, the available evidence is currently insufficient to determine the role of this variant in disease. Therefore, it has been classified as a Variant of Uncertain Significance.

NM_172364.5(CACNA2D4):c.2228T>A (p.Leu743Gln)

Gene: CACNA2D4 (calcium voltage-gated channel auxiliary subunit alpha2delta 4; minus strand). Cytogenetic location: 12p13.33.
Variant type: single nucleotide variant.
Coding change: c.2228T>A on transcript NM_172364.5 (MANE Select); coding-DNA position 2228, T replaced by A.
Protein change: p.Leu743Gln; replaces leucine 743 with glutamine.
Molecular consequence: missense variant.
Genome position (GRCh38, 1-based): chr12:1,853,969, A>T on the plus strand (T>A on the coding strand, the complement: CACNA2D4 is on the minus strand). VCF-style: chr12-1853969-A-T. GRCh37 (hg19) VCF-style: chr12-1963135-A-T.
Other names: short protein forms L743Q.
Identifiers: ClinVar variation 1004335 (VCV001004335.9), dbSNP rs199498850, ClinGen allele CA6386797.